The following is an entry in ClinVar:

NM_015898.4(ZBTB7A):c.325A>G (p.Ser109Gly)

Gene: ZBTB7A (zinc finger and BTB domain containing 7A; minus strand). Cytogenetic location: 19p13.3.
Variant type: single nucleotide variant.
Coding change: c.325A>G on transcript NM_015898.4 (MANE Select); coding-DNA position 325, A replaced by G.
Protein change: p.Ser109Gly; replaces serine 109 with glycine.
Molecular consequence: missense variant.
Genome position (GRCh38, 1-based): chr19:4,054,908, T>C on the plus strand (A>G on the coding strand, the complement: ZBTB7A is on the minus strand). VCF-style: chr19-4054908-T-C. GRCh37 (hg19) VCF-style: chr19-4054906-T-C.
Other names: c.325A>G, p.Ser109Gly (NM_001317990.2); short protein forms S109G.
Identifiers: ClinVar variation 3373612 (VCV003373612.1).
Genomic context (GRCh38, chr19:4,054,908, plus strand): 5'-GGTCCAGGAGGTCGGCGCACACGTGGCTCACGGCGGGGATCTCCAGCAGGCGGGCGGCGC[T>C]GAGGATGTCACCCACGTTGGCTGTGCTGACGGTGAGCGTGGCCGTGTAGGCGAAGTCCAT-3'
Protein context (NP_056982.1, residues 99-119): VSTANVGDIL[Ser109Gly]AARLLEIPAV

ClinVar aggregate classification (germline): Uncertain significance (1 of 4 stars; one submission).

Submission:

GeneDx
Classification: Uncertain significance. Last evaluated: 2024-03-05. Review status: criteria provided, single submitter. Criteria: GeneDx Variant Classification Process June 2021. Collection method: clinical testing. Allele origin: germline. Affected: yes.
Comment: Not observed at significant frequency in large population cohorts (gnomAD); In silico analysis supports that this missense variant does not alter protein structure/function; Has not been previously published as pathogenic or benign to our knowledge